The following is an entry in ClinVar:

ClinVar aggregate classification (germline): Uncertain significance. Review status: criteria provided, multiple submitters, no conflicts (2 of 4 stars). 2 submissions from 2 submitters: Uncertain significance (2). Last evaluated 2025-11-18.

Conditions:
Hereditary cancer-predisposing syndrome. Also called: Hereditary Cancer Syndrome; Neoplastic Syndromes, Hereditary; Tumor predisposition; Hereditary neoplastic syndrome. Identifiers: Orphanet 140162, MedGen C0027672, MeSH D009386, MONDO:0015356.

Allele frequency attached by ClinVar (database versions not stated): TOPMed below 0.00001.
gnomAD v4.1: 1 of 1,611,926 alleles (0.000062%); no homozygotes.

Submissions (2):

Labcorp Genetics (formerly Invitae), Labcorp
Classification: Uncertain significance. Last evaluated: 2025-11-18. Review status: criteria provided, single submitter. Criteria: Invitae Variant Classification Sherloc (09022015). Collection method: clinical testing. Allele origin: germline.
Comment: This sequence change replaces lysine, which is basic and polar, with glutamic acid, which is acidic and polar, at codon 300 of the MSH3 protein (p.Lys300Glu). This variant is not present in population databases (gnomAD no frequency). This variant has not been reported in the literature in individuals affected with MSH3-related conditions. ClinVar contains an entry for this variant (Variation ID: 1023583). An algorithm developed to predict the effect of missense changes on protein structure and function (PolyPhen-2) suggests that this variant is likely to be disruptive. In summary, the available evidence is currently insufficient to determine the role of this variant in disease. Therefore, it has been classified as a Variant of Uncertain Significance.

Ambry Genetics
Classification: Uncertain significance for Hereditary cancer-predisposing syndrome. Last evaluated: 2023-08-31. Review status: criteria provided, single submitter. Criteria: Ambry Variant Classification Scheme 2023. Collection method: clinical testing. Allele origin: germline.
Comment: The p.K300E variant (also known as c.898A>G), located in coding exon 5 of the MSH3 gene, results from an A to G substitution at nucleotide position 898. The lysine at codon 300 is replaced by glutamic acid, an amino acid with similar properties. This amino acid position is well conserved in available vertebrate species. In addition, the in silico prediction for this alteration is inconclusive. Since supporting evidence is limited at this time, the clinical significance of this alteration remains unclear.

NM_002439.5(MSH3):c.898A>G (p.Lys300Glu)

Gene: MSH3 (mutS homolog 3; plus strand). Cytogenetic location: 5q14.1.
Variant type: single nucleotide variant.
Coding change: c.898A>G on transcript NM_002439.5 (MANE Select); coding-DNA position 898, A replaced by G.
Protein change: p.Lys300Glu; replaces lysine 300 with glutamic acid.
Molecular consequence: missense variant.
Genome position (GRCh38, 1-based): chr5:80,672,349, A>G. VCF-style: chr5-80672349-A-G. GRCh37 (hg19) VCF-style: chr5-79968168-A-G.
Other names: short protein forms K300E.
Identifiers: ClinVar variation 1023583 (VCV001023583.11), dbSNP rs1749742847, ClinGen allele CA360267272.